The following is an entry in ClinVar:

NM_003640.5(ELP1):c.817C>A (p.Leu273Ile)

Gene: ELP1 (elongator acetyltransferase complex subunit 1; minus strand). Cytogenetic location: 9q31.3.
Variant type: single nucleotide variant.
Coding change: c.817C>A on transcript NM_003640.5 (MANE Select); coding-DNA position 817, C replaced by A.
Protein change: p.Leu273Ile; replaces leucine 273 with isoleucine.
Molecular consequence: missense variant. On other transcripts: 5 prime UTR variant (1).
Genome position (GRCh38, 1-based): chr9:108,917,594, G>T on the plus strand (C>A on the coding strand, the complement: ELP1 is on the minus strand). VCF-style: chr9-108917594-G-T. GRCh37 (hg19) VCF-style: chr9-111679874-G-T.
Other names: c.817C>A (LRG_251t1); c.475C>A, p.Leu159Ile (NM_001318360.2); c.-231C>A (NM_001330749.2); short protein forms L159I, L273I.
Identifiers: ClinVar variation 665919 (VCV000665919.8), dbSNP rs1370759222, ClinGen allele CA374386247.

ClinVar aggregate classification (germline): Uncertain significance. Review status: criteria provided, multiple submitters, no conflicts (2 of 4 stars). 3 submissions from 3 submitters: Uncertain significance (2). 1 of the submissions does not count toward it. Last evaluated 2022-08-21.

Conditions:
Familial dysautonomia. Also called: HSAN III; FD. Identifiers: Orphanet 1764, MedGen C0013364, MONDO:0009131, OMIM 223900. Disease mechanism: loss of function.
Medulloblastoma (MDB). Also called: Medulloblastoma, somatic; MEDULLOBLASTOMA PREDISPOSITION SYNDROME. Identifiers: Orphanet 616, MedGen C0025149, MeSH D008527, MONDO:0007959, OMIM 155255, HP:0002885.

Allele frequency attached by ClinVar (database versions not stated): gnomAD 0.00001; gnomAD exomes 0.00001; TOPMed 0.00001.
gnomAD v4.1: 5 of 1,613,822 alleles (0.00031%); highest among the groups gnomAD compares: Non-Finnish European, 0.00042%; no homozygotes.

Submissions (3):

Labcorp Genetics (formerly Invitae), Labcorp
Classification: Uncertain significance. Last evaluated: 2022-08-21. Review status: criteria provided, single submitter. Criteria: Invitae Variant Classification Sherloc (09022015). Collection method: clinical testing. Allele origin: germline.
Comment: This sequence change replaces leucine, which is neutral and non-polar, with isoleucine, which is neutral and non-polar, at codon 273 of the ELP1 protein (p.Leu273Ile). This variant is present in population databases (no rsID available, gnomAD 0.002%). This variant has not been reported in the literature in individuals affected with ELP1-related conditions. ClinVar contains an entry for this variant (Variation ID: 665919). Algorithms developed to predict the effect of missense changes on protein structure and function are either unavailable or do not agree on the potential impact of this missense change (SIFT: "Tolerated"; PolyPhen-2: "Probably Damaging"; Align-GVGD: "Class C0"). In summary, the available evidence is currently insufficient to determine the role of this variant in disease. Therefore, it has been classified as a Variant of Uncertain Significance.

Fulgent Genetics
Classification: Uncertain significance for Medulloblastoma; Familial dysautonomia. Last evaluated: 2021-11-08. Review status: criteria provided, single submitter. Criteria: ACMG Guidelines, 2015. Collection method: clinical testing. Allele origin: unknown.

Natera, Inc.
Classification: Uncertain significance for Familial dysautonomia. Last evaluated: 2020-08-01. Review status: no assertion criteria provided. Collection method: clinical testing. Allele origin: germline. Not counted in ClinVar's aggregate classification.